The following is an entry in ClinVar:

ClinVar aggregate classification (germline): Uncertain significance. Review status: criteria provided, multiple submitters, no conflicts (2 of 4 stars). 2 submissions from 2 submitters: Uncertain significance (2). Last evaluated 2022-07-25.

Conditions:
Muscular dystrophy-dystroglycanopathy (congenital with brain and eye anomalies), type a, 11 (MDDGA11). Also called: WALKER-WARBURG SYNDROME OR MUSCLE-EYE-BRAIN DISEASE, B3GALNT2-RELATED; Congenital muscular dystrophy-dystroglycanopathy with brain and eye anomalies, type A11; Muscular dystrophy-dystroglycanopathy (congenital with brain and eye anomalies, type A, 11. Identifiers: Orphanet 588, Orphanet 899, MedGen C3554638, MONDO:0014071, OMIM 615181.

Allele frequency attached by ClinVar (database versions not stated): TOPMed 0.00003.
gnomAD v4.1: 57 of 1,613,972 alleles (0.0035%); highest among the groups gnomAD compares: Non-Finnish European, 0.0044%; no homozygotes.

Submissions (2):

Labcorp Genetics (formerly Invitae), Labcorp
Classification: Uncertain significance for Muscular dystrophy-dystroglycanopathy (congenital with brain and eye anomalies), type a, 11. Last evaluated: 2022-07-25. Review status: criteria provided, single submitter. Criteria: Invitae Variant Classification Sherloc (09022015). Collection method: clinical testing. Allele origin: germline.
Comment: This sequence change replaces valine, which is neutral and non-polar, with leucine, which is neutral and non-polar, at codon 243 of the B3GALNT2 protein (p.Val243Leu). This variant is present in population databases (no rsID available, gnomAD 0.0009%). This variant has not been reported in the literature in individuals affected with B3GALNT2-related conditions. ClinVar contains an entry for this variant (Variation ID: 451717). Algorithms developed to predict the effect of missense changes on protein structure and function (SIFT, PolyPhen-2, Align-GVGD) all suggest that this variant is likely to be tolerated. In summary, the available evidence is currently insufficient to determine the role of this variant in disease. Therefore, it has been classified as a Variant of Uncertain Significance.

GeneDx
Classification: Uncertain significance. Last evaluated: 2017-09-12. Review status: criteria provided, single submitter. Criteria: GeneDx Variant Classification (06012015). Collection method: clinical testing. Allele origin: germline. Affected: yes.
Comment: The V243L variant in the B3GALNT2 gene has not been reported previously as a pathogenic variant, nor as a benign variant, to our knowledge. This variant is not observed in large population cohorts (Lek et al., 2016; 1000 Genomes Consortium et al., 2015; Exome Variant Server). The V243L variant is a conservative amino acid substitution, which is not likely to impact secondary protein structure as these residues share similar properties. However, this substitution occurs at a position that is conserved across species, and in silico analysis is inconsistent in its predictions as to whether or not the variant is damaging to the protein structure/function. We therefore interpret V243L as a variant of uncertain significance.

NM_152490.5(B3GALNT2):c.727G>C (p.Val243Leu)

Gene: B3GALNT2 (beta-1,3-N-acetylgalactosaminyltransferase 2; minus strand). Cytogenetic location: 1q42.3.
Variant type: single nucleotide variant.
Coding change: c.727G>C on transcript NM_152490.5 (MANE Select); coding-DNA position 727, G replaced by C.
Protein change: p.Val243Leu; replaces valine 243 with leucine.
Molecular consequence: missense variant.
Genome position (GRCh38, 1-based): chr1:235,470,885, C>G on the plus strand (G>C on the coding strand, the complement: B3GALNT2 is on the minus strand). VCF-style: chr1-235470885-C-G. GRCh37 (hg19) VCF-style: chr1-235634199-C-G.
Other names: c.850G>C, p.Val284Leu (NM_001277155.3); short protein forms V243L, V284L.
Identifiers: ClinVar variation 451717 (VCV000451717.5), dbSNP rs755405777, ClinGen allele CA39566214.
Genomic context (GRCh38, chr1:235,470,885, plus strand): 5'-TAAACCTTAAAAAAAAACGACTTACTGTAATGACTCTGAGAACTCCCCCTCCATCATTCA[C>G]TGTCACTTTGTGGAGATTTCTTGACACAAGGCCGTGGAGGTCTTGGCTCTCCCACACGAT-3'
Protein context (NP_689703.1, residues 233-253): LVSRNLHKVT[Val243Leu]NDGGGVLRVI